The following is an entry in ClinVar:

NM_005534.4(IFNGR2):c.19_36dup (p.Leu12_Leu13insTrpSerLeuLeuLeuLeu)

Genes: IFNGR2 (interferon gamma receptor 2; plus strand), LOC119266102 (IFNGR2 promoter region; plus strand). Cytogenetic location: 21q22.11.
Variant type: Duplication.
Coding change: c.19_36dup on transcript NM_005534.4 (MANE Select); coding-DNA positions 19 to 36, 18 bases duplicated (TGGTCGCTGCTGCTGCTG).
Protein change: p.Leu12_Leu13insTrpSerLeuLeuLeuLeu.
Molecular consequence: inframe insertion.
Genome position (GRCh38, 1-based): chr21:33,403,562-33,403,579, TGGTCGCTGCTGCTGCTG duplicated; duplicating any 18 consecutive bases within chr21:33,403,555-33,403,579 gives the same sequence; the c. name uses the placement nearest the transcript's 3' end. VCF-style (leftmost placement, unchanged base first): chr21-33403554-C-CGCTGCTGTGGTCGCTGCT. GRCh37 (hg19) VCF-style: chr21-34775860-C-CGCTGCTGTGGTCGCTGCT.
Other names: c.19_36dup, p.Leu12_Leu13insTrpSerLeuLeuLeuLeu (NM_001329128.2).
Identifiers: ClinVar variation 1983768 (VCV001983768.4), dbSNP rs2516918078, ClinGen allele CA2580098580.
Genomic context (GRCh38, chr21:33,403,554, plus strand): 5'-CCGAGCGGGGCCCCGGCCGCGACCTGAGCCGCCGCCGAGCGCCCGGGGCCATGCGACCGA[C>CGCTGCTGTGGTCGCTGCT]GCTGCTGTGGTCGCTGCTGCTGCTGCTCGGAGTCTTCGCCGCCGCCGCCGCGGCCCCGCC-3'

ClinVar aggregate classification (germline): Uncertain significance (1 of 4 stars; one submission).

Conditions:
Immunodeficiency 28 (IMD28). Also called: IFNGR2 DEFICIENCY. Identifiers: Orphanet 319547, Orphanet 319574, MedGen C4013947, MONDO:0013953, OMIM 614889.

Submission:

Labcorp Genetics (formerly Invitae), Labcorp
Classification: Uncertain significance for Immunodeficiency 28. Last evaluated: 2022-02-20. Review status: criteria provided, single submitter. Criteria: Invitae Variant Classification Sherloc (09022015). Collection method: clinical testing. Allele origin: germline.
Comment: This variant is not present in population databases (gnomAD no frequency). In summary, the available evidence is currently insufficient to determine the role of this variant in disease. Therefore, it has been classified as a Variant of Uncertain Significance. This variant has not been reported in the literature in individuals affected with IFNGR2-related conditions. This variant, c.19_36dup, results in the insertion of 6 amino acid(s) of the IFNGR2 protein (p.Trp7_Leu12dup), but otherwise preserves the integrity of the reading frame.